The following is an entry in ClinVar:

NM_012478.4(WBP2):c.412G>A (p.Val138Ile)

Gene: WBP2 (WW domain binding protein 2; minus strand). Cytogenetic location: 17q25.1.
Variant type: single nucleotide variant.
Coding change: c.412G>A on transcript NM_012478.4 (MANE Select); coding-DNA position 412, G replaced by A.
Protein change: p.Val138Ile; replaces valine 138 with isoleucine.
Molecular consequence: missense variant. On other transcripts: intron variant (1).
Genome position (GRCh38, 1-based): chr17:75,847,916, C>T on the plus strand (G>A on the coding strand, the complement: WBP2 is on the minus strand). VCF-style: chr17-75847916-C-T. GRCh37 (hg19) VCF-style: chr17-73843997-C-T.
Other names: c.412G>A, p.Val138Ile (NM_001348170.1); c.398-307G>A (NM_001330499.2); short protein forms V138I.
Identifiers: ClinVar variation 3606362 (VCV003606362.2).
Genomic context (GRCh38, chr17:75,847,916, plus strand): 5'-GCGGGGGATAGACATAGGCCCCGCTGGGCATGTAAGAGTAGCCATAGGCTCCACTGGGGA[C>T]TTCACCTCTGGAGGCTACGAGTACAAGGGGAAAGAGAAATGAGCGTGGCCTGCCTTGGGG-3'
Protein context (NP_036610.2, residues 128-148): QVASQASRGE[Val138Ile]PSGAYGYSYM

ClinVar aggregate classification (germline): Uncertain significance (1 of 4 stars; one submission).

gnomAD v4.1: 8 of 1,564,086 alleles (0.00051%); highest among the groups gnomAD compares: East Asian, 0.012%; no homozygotes.

Submission:

Labcorp Genetics (formerly Invitae), Labcorp
Classification: Uncertain significance. Last evaluated: 2024-04-14. Review status: criteria provided, single submitter. Criteria: Invitae Variant Classification Sherloc (09022015). Collection method: clinical testing. Allele origin: germline.
Comment: This sequence change replaces valine, which is neutral and non-polar, with isoleucine, which is neutral and non-polar, at codon 138 of the WBP2 protein (p.Val138Ile). This variant is present in population databases (rs572594636, gnomAD 0.009%). This variant has not been reported in the literature in individuals affected with WBP2-related conditions. Advanced modeling of protein sequence and biophysical properties (such as structural, functional, and spatial information, amino acid conservation, physicochemical variation, residue mobility, and thermodynamic stability) performed at Invitae indicates that this missense variant is not expected to disrupt WBP2 protein function with a negative predictive value of 80%. In summary, the available evidence is currently insufficient to determine the role of this variant in disease. Therefore, it has been classified as a Variant of Uncertain Significance.